The following is an entry in ClinVar:

ClinVar aggregate classification (germline): Likely benign. Review status: reviewed by expert panel (3 of 4 stars). 4 submissions from 4 submitters: Likely benign (1). 3 of the submissions do not count toward it. Last evaluated 2017-06-29.

Conditions:
Hereditary cancer-predisposing syndrome. Also called: Tumor predisposition; Hereditary Cancer Syndrome; Neoplastic Syndromes, Hereditary; Hereditary neoplastic syndrome. Identifiers: Orphanet 140162, MedGen C0027672, MeSH D009386, MONDO:0015356.
Hereditary breast ovarian cancer syndrome. Also called: Hereditary breast and/or ovarian cancer syndrome; BRCA1- and BRCA2-Associated Hereditary Breast and Ovarian Cancer; Hereditary breast and ovarian cancer; Hereditary breast and ovarian cancer syndrome (HBOC); Breast and ovarian cancer; Hereditary breast and ovarian cancer syndrome. Identifiers: Orphanet 145, MedGen C0677776, MeSH D061325, MONDO:0003582. Disease mechanism: loss of function.
Breast-ovarian cancer, familial, susceptibility to, 2 (BROVCA2). Also called: BRCA2 Hereditary Breast and Ovarian Cancer. Identifiers: Orphanet 145, MedGen C2675520, MONDO:0012933, OMIM 612555. Disease mechanism: loss of function.

Allele frequency attached by ClinVar (database versions not stated): gnomAD exomes below 0.00001.
gnomAD v4.1: 2 of 1,613,358 alleles (0.00012%); highest among the groups gnomAD compares: Non-Finnish European, 0.00017%; no homozygotes.

Submissions (4):

Evidence-based Network for the Interpretation of Germline Mutant Alleles (ENIGMA)
Classification: Likely benign for Breast-ovarian cancer, familial, susceptibility to, 2. Last evaluated: 2017-06-29. Review status: reviewed by expert panel. Criteria: ENIGMA BRCA1/2 Classification Criteria (2017-06-29). Collection method: curation. Allele origin: germline.
Comment: Synonymous substitution variant, with low bioinformatic likelihood to result in a splicing aberration (Splicing prior probability 0.02).

Labcorp Genetics (formerly Invitae), Labcorp
Classification: Likely benign for Hereditary breast ovarian cancer syndrome. Last evaluated: 2025-05-06. Review status: criteria provided, single submitter. Criteria: Invitae Variant Classification Sherloc (09022015). Collection method: clinical testing. Allele origin: germline. Not counted in ClinVar's aggregate classification.

Ambry Genetics
Classification: Likely benign for Hereditary cancer-predisposing syndrome. Last evaluated: 2023-09-06. Review status: criteria provided, single submitter. Criteria: Ambry Variant Classification Scheme 2023. Collection method: clinical testing. Allele origin: germline. Not counted in ClinVar's aggregate classification.

Color Diagnostics, LLC DBA Color Health
Classification: Likely benign for Hereditary cancer-predisposing syndrome. Last evaluated: 2018-01-25. Review status: criteria provided, single submitter. Criteria: ACMG Guidelines, 2015. Collection method: clinical testing. Allele origin: germline. Not counted in ClinVar's aggregate classification.

NM_000059.4(BRCA2):c.5769C>T (p.Asp1923=)

Gene: BRCA2 (BRCA2 DNA repair associated; plus strand). Cytogenetic location: 13q13.1.
Variant type: single nucleotide variant.
Coding change: c.5769C>T on transcript NM_000059.4 (MANE Select); coding-DNA position 5769, C replaced by T.
Protein change: p.Asp1923=; no amino-acid change (aspartic acid 1923 retained).
Molecular consequence: synonymous variant.
Genome position (GRCh38, 1-based): chr13:32,340,124, C>T. VCF-style: chr13-32340124-C-T. GRCh37 (hg19) VCF-style: chr13-32914261-C-T.
Identifiers: ClinVar variation 215609 (VCV000215609.18), dbSNP rs863224309, ClinGen allele CA338588.